The following is an entry in ClinVar:

ClinVar aggregate classification (germline): Uncertain significance (1 of 4 stars; one submission).

Submission:

Labcorp Genetics (formerly Invitae), Labcorp
Classification: Uncertain significance. Last evaluated: 2022-07-06. Review status: criteria provided, single submitter. Criteria: Invitae Variant Classification Sherloc (09022015). Collection method: clinical testing. Allele origin: germline.
Comment: In summary, the available evidence is currently insufficient to determine the role of this variant in disease. Therefore, it has been classified as a Variant of Uncertain Significance. Algorithms developed to predict the effect of missense changes on protein structure and function (SIFT, PolyPhen-2, Align-GVGD) all suggest that this variant is likely to be disruptive. ClinVar contains an entry for this variant (Variation ID: 1346268). This variant has not been reported in the literature in individuals affected with COL13A1-related conditions. This variant is not present in population databases (gnomAD no frequency). This sequence change replaces arginine, which is basic and polar, with glycine, which is neutral and non-polar, at codon 168 of the COL13A1 protein (p.Arg168Gly).

NM_001368882.1(COL13A1):c.529A>G (p.Arg177Gly)

Gene: COL13A1 (collagen type XIII alpha 1 chain; plus strand). Cytogenetic location: 10q22.1.
Variant type: single nucleotide variant.
Coding change: c.529A>G on transcript NM_001368882.1 (MANE Select); coding-DNA position 529, A replaced by G.
Protein change: p.Arg177Gly; replaces arginine 177 with glycine.
Molecular consequence: missense variant. On other transcripts: 5 prime UTR variant (1).
Genome position (GRCh38, 1-based): chr10:69,887,471, A>G. VCF-style: chr10-69887471-A-G. GRCh37 (hg19) VCF-style: chr10-71647227-A-G.
Other names: c.502A>G, p.Arg168Gly (NM_001130103.2, NM_080800.4, NM_080801.4 and 1 more transcripts); c.529A>G, p.Arg177Gly (NM_001320951.2, NM_001368884.1); c.493A>G, p.Arg165Gly (NM_001368883.1, NM_001368885.1); c.-72A>G (NM_001368886.1); c.439A>G, p.Arg147Gly (NM_001368895.1); c.388A>G, p.Arg130Gly (NM_001368896.1, NM_001368898.1, NM_080798.4); c.415A>G, p.Arg139Gly (NM_001368897.1, NM_080805.4); short protein forms R130G, R168G, R147G, R177G, R139G, R165G.
Identifiers: ClinVar variation 1346268 (VCV001346268.6), dbSNP rs2134523371, ClinGen allele CA376931790.
Genomic context (GRCh38, chr10:69,887,471, plus strand): 5'-TCCTCCTTGCTCAATCTCATGTGTCTCTTGTTTTTTTTTTTTCAGGGTCAACCAGGAACT[A>G]GAGGTTTCCCTGGATTTCCGGTAAGTGGAGAAGGCTGAAGTTAGCTGTGTCCCAGGTGGT-3'
Protein context (NP_001355811.1, residues 167-187): PRGPPGQPGT[Arg177Gly]GFPGFPGPIG